The following is an entry in ClinVar:

ClinVar aggregate classification (germline): Benign/Likely benign. Review status: criteria provided, multiple submitters, no conflicts (2 of 4 stars). 3 submissions from 3 submitters: Benign (1); Likely benign (2). Last evaluated 2026-02-04.

Conditions:
3M syndrome 2. Also called: 3-M Syndrome, OBSL1-Related; THREE M SYNDROME 2. Identifiers: Orphanet 2616, MedGen C2752041, MONDO:0013039, OMIM 612921.

Allele frequency attached by ClinVar (database versions not stated): ESP Exome Variant Server 0.00008; gnomAD 0.00087 and 0.00118; gnomAD exomes 0.00227; TOPMed 0.00247; 1000 Genomes Project 30x 0.00390; 1000 Genomes Project 0.00419; ExAC 0.00484.
gnomAD v4.1: 1,443 of 1,589,990 alleles (0.091%); highest among the groups gnomAD compares: East Asian, 2.8%; 24 homozygotes.

Submissions (3):

Labcorp Genetics (formerly Invitae), Labcorp
Classification: Benign. Last evaluated: 2026-02-04. Review status: criteria provided, single submitter. Criteria: Invitae Variant Classification Sherloc (09022015). Collection method: clinical testing. Allele origin: germline.

Illumina Laboratory Services, Illumina
Classification: Likely benign for 3M syndrome 2. Last evaluated: 2017-04-27. Review status: criteria provided, single submitter. Criteria: ICSL Variant Classification Criteria 13 December 2019. Collection method: clinical testing. Allele origin: germline.
Comment: This variant was observed as part of a predisposition screen in an ostensibly healthy population. A literature search was performed for the gene, cDNA change, and amino acid change (where applicable). No publications were found based on this search. Allele frequency data from public databases allowed determination this variant is unlikely to cause disease. Therefore, this variant is classified as likely benign.

Breakthrough Genomics
Classification: Likely benign. Review status: criteria provided, single submitter. Criteria: ACMG Guidelines, 2015. Collection method: not provided. Allele origin: germline. Inheritance: Autosomal recessive inheritance. Affected: yes.

NM_015311.3(OBSL1):c.5676G>A (p.Leu1892=)

Gene: OBSL1 (obscurin like cytoskeletal adaptor 1; minus strand). Cytogenetic location: 2q35.
Variant type: single nucleotide variant.
Coding change: c.5676G>A on transcript NM_015311.3 (MANE Select); coding-DNA position 5676, G replaced by A.
Protein change: p.Leu1892=; no amino-acid change (leucine 1892 retained).
Molecular consequence: synonymous variant.
Genome position (GRCh38, 1-based): chr2:219,551,536, C>T on the plus strand (G>A on the coding strand, the complement: OBSL1 is on the minus strand). VCF-style: chr2-219551536-C-T. GRCh37 (hg19) VCF-style: chr2-220416258-C-T.
Identifiers: ClinVar variation 334459 (VCV000334459.15), dbSNP rs3795991, ClinGen allele CA2130163.